The following is an entry in ClinVar:

NM_032888.4(COL27A1):c.1808G>A (p.Arg603Gln)

Gene: COL27A1 (collagen type XXVII alpha 1 chain; plus strand). Cytogenetic location: 9q32.
Variant type: single nucleotide variant.
Coding change: c.1808G>A on transcript NM_032888.4 (MANE Select); coding-DNA position 1808, G replaced by A.
Protein change: p.Arg603Gln; replaces arginine 603 with glutamine.
Molecular consequence: missense variant.
Genome position (GRCh38, 1-based): chr9:114,169,363, G>A. VCF-style: chr9-114169363-G-A. GRCh37 (hg19) VCF-style: chr9-116931643-G-A.
Other names: short protein forms R603Q.
Identifiers: ClinVar variation 2279422 (VCV002279422.3), dbSNP rs745381915, ClinGen allele CA5201481.

ClinVar aggregate classification (germline): Conflicting classifications of pathogenicity. Review status: criteria provided, conflicting classifications (1 of 4 stars). 2 submissions from 2 submitters: Uncertain significance (1); Likely benign (1). Last evaluated 2025-07-22.

Conditions:
Inborn genetic diseases. Identifiers: MedGen C0950123, MeSH D030342.

Allele frequency attached by ClinVar (database versions not stated): gnomAD 0.00001.

Submissions (2):

GeneDx
Classification: Uncertain significance. Last evaluated: 2025-07-22. Review status: criteria provided, single submitter. Criteria: GeneDx Variant Classification Process June 2021. Collection method: clinical testing. Allele origin: germline. Affected: yes.
Comment: In silico analysis suggests that this missense variant does not alter protein structure/function; Has not been previously published as pathogenic or benign to our knowledge

Ambry Genetics
Classification: Likely benign for Inborn genetic diseases. Last evaluated: 2022-03-23. Review status: criteria provided, single submitter. Criteria: Ambry Variant Classification Scheme 2023. Collection method: clinical testing. Allele origin: germline.